The following is an entry in ClinVar:

NM_001365276.2(TNXB):c.10380G>T (p.Glu3460Asp)

Gene: TNXB (tenascin XB; minus strand). Cytogenetic location: 6p21.33.
Variant type: single nucleotide variant.
Coding change: c.10380G>T on transcript NM_001365276.2 (MANE Select); coding-DNA position 10380, G replaced by T.
Protein change: p.Glu3460Asp; replaces glutamic acid 3460 with aspartic acid.
Molecular consequence: missense variant.
Genome position (GRCh38, 1-based): chr6:32,046,401, C>A on the plus strand (G>T on the coding strand, the complement: TNXB is on the minus strand). VCF-style: chr6-32046401-C-A. GRCh37 (hg19) VCF-style: chr6-32014178-C-A.
Other names: c.11121G>T, p.Glu3707Asp (NM_001428335.1); c.10374G>T, p.Glu3458Asp (NM_019105.8); short protein forms E3458D, E3707D, E3460D.
Identifiers: ClinVar variation 4188671 (VCV004188671.1).

ClinVar aggregate classification (germline): Uncertain significance (1 of 4 stars; one submission).

Conditions:
Cardiovascular phenotype. Identifiers: MedGen CN230736.

gnomAD v4.1: 4 of 1,585,112 alleles (0.00025%); highest among the groups gnomAD compares: Non-Finnish European, 0.00034%; no homozygotes.

Submission:

Ambry Genetics
Classification: Uncertain significance for Cardiovascular phenotype. Last evaluated: 2025-06-16. Review status: criteria provided, single submitter. Criteria: Ambry Variant Classification Scheme 2023. Collection method: clinical testing. Allele origin: germline.
Comment: The p.E3458D variant (also known as c.10374G>T), located in coding exon 30 of the TNXB gene, results from a G to T substitution at nucleotide position 10374. The glutamic acid at codon 3458 is replaced by aspartic acid, an amino acid with highly similar properties. This amino acid position is conserved. In addition, this alteration is predicted to be tolerated by in silico analysis. Based on the available evidence, the clinical significance of this variant remains unclear.